The following is an entry in ClinVar:

ClinVar aggregate classification (germline): Uncertain significance (1 of 4 stars; one submission).

Submission:

CeGaT Center for Human Genetics Tuebingen
Classification: Uncertain significance. Last evaluated: 2022-09-01. Review status: criteria provided, single submitter. Criteria: CeGaT Center For Human Genetics Tuebingen Variant Classification Criteria Version 2. Collection method: clinical testing. Allele origin: germline. Affected: yes. Observed: 1 variant allele.
Comment: PAX6: PM2

NM_001368894.2(PAX6):c.295A>G (p.Ser99Gly)

Gene: PAX6 (paired box 6; minus strand). Cytogenetic location: 11p13.
Variant type: single nucleotide variant.
Coding change: c.295A>G on transcript NM_001368894.2 (MANE Select); coding-DNA position 295, A replaced by G.
Protein change: p.Ser99Gly; replaces serine 99 with glycine.
Molecular consequence: missense variant. On other transcripts: non-coding transcript variant (2), intron variant (8), 5 prime UTR variant (14).
Genome position (GRCh38, 1-based): chr11:31,801,665, T>C on the plus strand (A>G on the coding strand, the complement: PAX6 is on the minus strand). VCF-style: chr11-31801665-T-C. GRCh37 (hg19) VCF-style: chr11-31823213-T-C.
Other names: c.295A>G, p.Ser99Gly (NM_001604.6, NM_001258462.3, NM_001258463.2 and 6 more transcripts); c.198+97A>G (NM_001368921.2, NM_001368923.2, NM_001368926.2 and 4 more transcripts); c.156+97A>G (NM_001368928.2); c.253A>G, p.Ser85Gly (NM_000280.6, NM_001127612.3, NM_001258464.2 and 10 more transcripts); c.-487A>G (NM_001310160.2, NM_001368902.2, NM_001368905.2); c.-156A>G (NM_001310161.3, NM_001368899.2, NM_001368900.2 and 8 more transcripts); c.496A>G, p.Ser166Gly (NM_001368910.2); c.298A>G, p.Ser100Gly (NM_001368911.2); and 2 more; short protein forms S100G, S110G, S124G, S166G, S85G, S99G.
Identifiers: ClinVar variation 2641701 (VCV002641701.24), dbSNP rs2496138389, ClinGen allele CA379958697.
Genomic context (GRCh38, chr11:31,801,665, plus strand): 5'-TGTCTCGGATTTCCCAAGCAAAGATGGACGGGCACTCCCGCTTATACTGGGCTATTTTGC[T>C]TACAACTTCTGGAGTCGCTACTCTCGGTTTACTACCACCGATTGCCCTGGGTCTGATGGA-3'
Protein context (NP_001355823.1, residues 89-109): KPRVATPEVV[Ser99Gly]KIAQYKRECP